The following is an entry in ClinVar:

ClinVar aggregate classification (germline): Likely benign (0 of 4 stars; one submission).

Conditions:
DENND4B-related disorder. Also called: DENND4B-related condition.

Allele frequency attached by ClinVar (database versions not stated): gnomAD exomes 0.00005; ExAC 0.00030; gnomAD 0.00070; TOPMed 0.00072; ESP Exome Variant Server 0.00093; 1000 Genomes Project 0.00180; 1000 Genomes Project 30x 0.00219.
gnomAD v4.1: 183 of 1,610,076 alleles (0.011%); highest among the groups gnomAD compares: African/African-American, 0.21%; no homozygotes.

Submission:

PreventionGenetics, part of Exact Sciences
Classification: Likely benign for DENND4B-related condition. Last evaluated: 2019-11-27. Review status: no assertion criteria provided. Collection method: clinical testing. Allele origin: germline.
Comment: This variant is classified as likely benign based on ACMG/AMP sequence variant interpretation guidelines (Richards et al. 2015 PMID: 25741868, with internal and published modifications).

NM_014856.3(DENND4B):c.3036G>A (p.Pro1012=)

Gene: DENND4B (DENN domain containing 4B; minus strand). Cytogenetic location: 1q21.3.
Variant type: single nucleotide variant.
Coding change: c.3036G>A on transcript NM_014856.3 (MANE Select); coding-DNA position 3036, G replaced by A.
Protein change: p.Pro1012=; no amino-acid change (proline 1012 retained).
Molecular consequence: synonymous variant.
Genome position (GRCh38, 1-based): chr1:153,933,777, C>T on the plus strand (G>A on the coding strand, the complement: DENND4B is on the minus strand). VCF-style: chr1-153933777-C-T. GRCh37 (hg19) VCF-style: chr1-153906253-C-T.
Other names: c.3069G>A, p.Pro1023= (NM_001367466.1).
Identifiers: ClinVar variation 3048357 (VCV003048357.2), dbSNP rs370527955, ClinGen allele CA1121284.